The following is an entry in ClinVar:

ClinVar aggregate classification (germline): Uncertain significance (1 of 4 stars; one submission).

Conditions:
ENHANCED S-CONE SYNDROME 1 (ESCS1). Also called: RETINOSCHISIS WITH EARLY HEMERALOPIA; FAVRE HYALOIDEORETINAL DEGENERATION. Identifiers: MedGen CN380299, OMIM 268100.

gnomAD v4.1: 6 of 1,571,654 alleles (0.00038%); highest among the groups gnomAD compares: Non-Finnish European, 0.00052%; no homozygotes.

Submission:

Myriad Genetics, Inc.
Classification: Uncertain significance for ENHANCED S-CONE SYNDROME 1. Last evaluated: 2025-09-15. Review status: criteria provided, single submitter. Criteria: Myriad Autosomal Dominant, Autosomal Recessive and X-Linked Classification Criteria (2023). Collection method: clinical testing. Allele origin: unknown.
Comment: NM_014249.2(NR2E3):c.14C>T(P5L) is a missense variant classified as a variant of uncertain significance in the context of enhanced S-cone syndrome. P5L has not been observed in cases with relevant disease. Relevant functional assessments of this variant are not available in the literature. P5L has not been observed in referenced population frequency databases. In summary, there is insufficient evidence to classify NM_014249.2(NR2E3):c.14C>T(P5L) as pathogenic or benign. Please note: this variant was assessed in the context of healthy population screening.

NM_014249.4(NR2E3):c.14C>T (p.Pro5Leu)

Gene: NR2E3 (nuclear receptor subfamily 2 group E member 3; plus strand). Cytogenetic location: 15q23.
Variant type: single nucleotide variant.
Coding change: c.14C>T on transcript NM_014249.4 (MANE Select); coding-DNA position 14, C replaced by T.
Protein change: p.Pro5Leu; replaces proline 5 with leucine.
Molecular consequence: missense variant.
Genome position (GRCh38, 1-based): chr15:71,810,757, C>T. VCF-style: chr15-71810757-C-T. GRCh37 (hg19) VCF-style: chr15-72103097-C-T.
Other names: c.14C>T, p.Pro5Leu (NM_016346.4); short protein forms P5L.
Identifiers: ClinVar variation 5003794 (VCV005003794.1).